The following is an entry in ClinVar:

ClinVar aggregate classification (germline): Likely benign. Review status: criteria provided, multiple submitters, no conflicts (2 of 4 stars). 3 submissions from 3 submitters: Likely benign (3). Last evaluated 2026-07-01.

Allele frequency attached by ClinVar (database versions not stated): TOPMed 0.00009; ExAC 0.00005; gnomAD 0.00005 and 0.00006; ESP Exome Variant Server 0.00008; gnomAD exomes 0.00008.
gnomAD v4.1: 146 of 1,579,252 alleles (0.0092%); highest among the groups gnomAD compares: Middle Eastern, 0.033%; no homozygotes.

Submissions (3):

CeGaT Center for Human Genetics Tuebingen
Classification: Likely benign. Last evaluated: 2026-07-01. Review status: criteria provided, single submitter. Criteria: CeGaT Center For Human Genetics Tuebingen Variant Classification Criteria Version 2. Collection method: clinical testing. Allele origin: germline. Affected: yes. Observed: 1 variant allele.
Comment: HSPG2: BP4

Labcorp Genetics (formerly Invitae), Labcorp
Classification: Likely benign. Last evaluated: 2025-07-20. Review status: criteria provided, single submitter. Criteria: Invitae Variant Classification Sherloc (09022015). Collection method: clinical testing. Allele origin: germline.

Blueprint Genetics
Classification: Likely benign. Last evaluated: 2024-10-14. Review status: criteria provided, single submitter. Criteria: ACMG Guidelines, 2015. Collection method: clinical testing. Allele origin: germline.

NM_005529.7(HSPG2):c.5702-6C>T

Gene: HSPG2 (heparan sulfate proteoglycan 2; minus strand). Cytogenetic location: 1p36.12.
Variant type: single nucleotide variant.
Coding change: c.5702-6C>T on transcript NM_005529.7 (MANE Select); 6 bases into the intron before coding-DNA position 5702, C replaced by T.
Molecular consequence: intron variant.
Genome position (GRCh38, 1-based): chr1:21,855,681, G>A on the plus strand (C>T on the coding strand, the complement: HSPG2 is on the minus strand). VCF-style: chr1-21855681-G-A. GRCh37 (hg19) VCF-style: chr1-22182174-G-A.
Other names: c.5705-6C>T (NM_001291860.2).
Identifiers: ClinVar variation 1617983 (VCV001617983.10), dbSNP rs373837275, ClinGen allele CA671807.